The following is an entry in ClinVar:

NM_019888.3(MC3R):c.620A>G (p.Tyr207Cys)

Gene: MC3R (melanocortin 3 receptor; plus strand). Cytogenetic location: 20q13.2.
Variant type: single nucleotide variant.
Coding change: c.620A>G on transcript NM_019888.3 (MANE Select); coding-DNA position 620, A replaced by G.
Protein change: p.Tyr207Cys; replaces tyrosine 207 with cysteine.
Molecular consequence: missense variant.
Genome position (GRCh38, 1-based): chr20:56,249,463, A>G. VCF-style: chr20-56249463-A-G. GRCh37 (hg19) VCF-style: chr20-54824519-A-G.
Other names: short protein forms Y207C.
Identifiers: ClinVar variation 3354528 (VCV003354528.1).

ClinVar aggregate classification (germline): Uncertain significance (0 of 4 stars; one submission).

Conditions:
MC3R-related disorder. Also called: MC3R-related condition.

Submission:

PreventionGenetics, part of Exact Sciences
Classification: Uncertain significance for MC3R-related condition. Last evaluated: 2024-03-22. Review status: no assertion criteria provided. Collection method: clinical testing. Allele origin: germline.
Comment: The MC3R c.620A>G variant is predicted to result in the amino acid substitution p.Tyr207Cys. To our knowledge, this variant has not been reported in the literature. This variant is reported in 0.016% of alleles in individuals of East Asian descent in gnomAD. At this time, the clinical significance of this variant is uncertain due to the absence of conclusive functional and genetic evidence.